The following is an entry in ClinVar:

ClinVar aggregate classification (germline): Benign (1 of 4 stars; one submission).

Submission:

Laboratory for Molecular Medicine, Mass General Brigham Personalized Medicine
Classification: Benign. Last evaluated: 2016-03-29. Review status: criteria provided, single submitter. Criteria: LMM Criteria. Collection method: clinical testing. Allele origin: germline.
Comment: Variant identified in a genome or exome case(s) and assessed due to predicted null impact of the variant or pathogenic assertions in the literature or databases. Disclaimer: This variant has not undergone full assessment. The following are preliminary notes: Frequency

NM_005961.3(MUC6):c.4631_4633del (p.Thr1544del)

Gene: MUC6 (mucin 6, oligomeric mucus/gel-forming; minus strand). Cytogenetic location: 11p15.5.
Variant type: Microsatellite.
Coding change: c.4631_4633del on transcript NM_005961.3 (MANE Select); coding-DNA positions 4631 to 4633, 3 bases deleted (CGA; older notation c.4631_4633delCGA).
Protein change: p.Thr1544del; deletes threonine 1544.
Molecular consequence: inframe deletion.
Genome position (GRCh38, 1-based): chr11:1,018,168-1,018,170, TCG deleted on the plus strand (CGA on the coding strand, the reverse complement: MUC6 is on the minus strand); deleting any 3 consecutive bases within chr11:1,018,168-1,018,171 gives the same sequence; the c. name uses the placement nearest the transcript's 3' end. VCF-style (leftmost placement, unchanged base first): chr11-1018167-ATCG-A. GRCh37 (hg19) VCF-style: chr11-1018167-ATCG-A.
Other names: short protein forms T1544del.
Identifiers: ClinVar variation 403202 (VCV000403202.4), dbSNP rs111749447, ClinGen allele CA5796018.